The following is an entry in ClinVar:

ClinVar aggregate classification (germline): Uncertain significance (1 of 4 stars; one submission).

Submission:

Dasa
Classification: Uncertain significance. Last evaluated: 2026-06-16. Review status: criteria provided, single submitter. Criteria: DASA Assertion Criteria. Collection method: clinical testing. Allele origin: germline.
Comment: NM_003587.5(DHX16):c.783G>T (p.Glu261Asp) is a missense variant that results in the substitution of glutamic acid with aspartic acid. De novo occurrence has been reported in an individual with DHX16-related disorders. This variant is rare in population databases. Computational prediction algorithms are consistent with a benign effect. The currently available literature and clinical evidence are not sufficient to establish a definitive association between this variant and the reported condition. Therefore, this variant is classified as a variant of uncertain significance.

NM_003587.5(DHX16):c.783G>T (p.Glu261Asp)

Gene: DHX16 (DEAH-box helicase 16; minus strand). Cytogenetic location: 6p21.33.
Variant type: single nucleotide variant.
Coding change: c.783G>T on transcript NM_003587.5 (MANE Select); coding-DNA position 783, G replaced by T.
Protein change: p.Glu261Asp; replaces glutamic acid 261 with aspartic acid.
Molecular consequence: missense variant. On other transcripts: 5 prime UTR variant (1).
Genome position (GRCh38, 1-based): chr6:30,665,617, C>A on the plus strand (G>T on the coding strand, the complement: DHX16 is on the minus strand). VCF-style: chr6-30665617-C-A. GRCh37 (hg19) VCF-style: chr6-30633394-C-A.
Other names: c.603G>T, p.Glu201Asp (NM_001164239.2); c.-1337G>T (NM_001363515.2); short protein forms E201D, E261D.
Identifiers: ClinVar variation 5020360 (VCV005020360.1).